The following is an entry in ClinVar:

ClinVar aggregate classification (germline): Likely benign. Review status: criteria provided, multiple submitters, no conflicts (2 of 4 stars). 2 submissions from 2 submitters: Likely benign (2). Last evaluated 2025-04-11.

Conditions:
Ataxia-telangiectasia syndrome (AT). Also called: LOUIS-BAR SYNDROME; Cerebello-oculocutaneous telangiectasia; Immunodeficiency with ataxia telangiectasia; AT, COMPLEMENTATION GROUP C; Ataxia-telangiectasia, complementation group D; ATAXIA-TELANGIECTASIA, COMPLEMENTATION GROUP A. Identifiers: Orphanet 100, MedGen C0004135, MONDO:0008840, OMIM 208900.
Familial cancer of breast. Also called: BREAST CANCER, FAMILIAL; hereditary breast carcinoma; Hereditary breast cancer. Identifiers: Orphanet 227535, MedGen C0346153, MONDO:0016419, OMIM 114480. Disease mechanism: loss of function.

Submissions (2):

Labcorp Genetics (formerly Invitae), Labcorp
Classification: Likely benign for Ataxia-telangiectasia syndrome. Last evaluated: 2025-04-11. Review status: criteria provided, single submitter. Criteria: Invitae Variant Classification Sherloc (09022015). Collection method: clinical testing. Allele origin: germline.

Myriad Genetics, Inc.
Classification: Likely benign for Familial cancer of breast. Last evaluated: 2024-05-24. Review status: criteria provided, single submitter. Criteria: Myriad Autosomal Dominant, Autosomal Recessive and X-Linked Classification Criteria (2023). Collection method: clinical testing. Allele origin: unknown.
Comment: This variant is considered likely benign. This variant is intronic and is not expected to impact mRNA splicing.

NM_000051.4(ATM):c.5675-20G>A

Gene: ATM (ATM serine/threonine kinase; plus strand). Cytogenetic location: 11q22.3.
Variant type: single nucleotide variant.
Coding change: c.5675-20G>A on transcript NM_000051.4 (MANE Select); 20 bases into the intron before coding-DNA position 5675, G replaced by A.
Molecular consequence: intron variant.
Genome position (GRCh38, 1-based): chr11:108,307,877, G>A. VCF-style: chr11-108307877-G-A. GRCh37 (hg19) VCF-style: chr11-108178604-G-A.
Other names: c.5675-20G>A (NM_001351834.2).
Identifiers: ClinVar variation 3253840 (VCV003253840.3), dbSNP rs2083811415.